The following is an entry in ClinVar:

ClinVar aggregate classification (germline): Benign. Review status: criteria provided, multiple submitters, no conflicts (2 of 4 stars). 2 submissions from 2 submitters: Benign (2). Last evaluated 2018-06-16.

Allele frequency attached by ClinVar (database versions not stated): TOPMed 0.00975; ESP Exome Variant Server 0.00987; gnomAD 0.01171 and 0.01027; gnomAD exomes 0.01869 and 0.01963; 1000 Genomes Project 0.01960; 1000 Genomes Project 30x 0.01977; ExAC 0.02269.
gnomAD v4.1: 19,622 of 1,094,105 alleles (1.8%); highest among the groups gnomAD compares: South Asian, 8.4%; 167 homozygotes.

Submissions (6):

GeneDx
Classification: Benign. Last evaluated: 2018-06-16. Review status: criteria provided, single submitter. Criteria: GeneDx Variant Classification (06012015). Collection method: clinical testing. Allele origin: germline. Affected: yes.
Comment: This variant is considered likely benign or benign based on one or more of the following criteria: it is a conservative change, it occurs at a poorly conserved position in the protein, it is predicted to be benign by multiple in silico algorithms, and/or has population frequency not consistent with disease.

Breakthrough Genomics
Classification: Benign. Review status: criteria provided, single submitter. Criteria: ACMG Guidelines, 2015. Collection method: not provided. Allele origin: germline. Inheritance: X-linked inheritance. Affected: yes.

Dr. Peter K. Rogan Lab, Western University
No classification provided (evidence only). Condition: Uterine corpus endometrial carcinoma. Review status: no classification provided. Collection method: in vitro. Allele origin: not applicable. Functional consequence: retained intron. Not counted in ClinVar's aggregate classification.

Dr. Peter K. Rogan Lab, Western University
No classification provided (evidence only). Condition: Sarcoma. Review status: no classification provided. Collection method: in vitro. Allele origin: not applicable. Functional consequence: retained intron. Not counted in ClinVar's aggregate classification.

Dr. Peter K. Rogan Lab, Western University
No classification provided (evidence only). Condition: Malignant lymphoma, large B-cell, diffuse. Review status: no classification provided. Collection method: in vitro. Allele origin: not applicable. Functional consequence: skipped exon. Not counted in ClinVar's aggregate classification.

Dr. Peter K. Rogan Lab, Western University
No classification provided (evidence only). Condition: Malignant tumor of esophagus. Review status: no classification provided. Collection method: in vitro. Allele origin: not applicable. Functional consequence: retained intron. Not counted in ClinVar's aggregate classification.

NM_004006.3(DMD):c.4519-34T>A

Gene: DMD (dystrophin; minus strand). Cytogenetic location: Xp21.1.
Variant type: single nucleotide variant.
Coding change: c.4519-34T>A on transcript NM_004006.3 (MANE Select); 34 bases into the intron before coding-DNA position 4519, T replaced by A.
Molecular consequence: intron variant.
Genome position (GRCh38, 1-based): chrX:32,386,499, A>T on the plus strand (T>A on the coding strand, the complement: DMD is on the minus strand). VCF-style: chrX-32386499-A-T. GRCh37 (hg19) VCF-style: chrX-32404616-A-T.
Other names: NC_000023.10:g.32404616A>T; c.4495-34T>A (NM_000109.4); c.496-34T>A (NM_004011.4); c.487-34T>A (NM_004012.4); c.4507-34T>A (NM_004009.3); c.4150-34T>A (NM_004010.3).
Identifiers: ClinVar variation 673724 (VCV000673724.3), dbSNP rs72468639, ClinGen allele CA10378928.